The following is an entry in ClinVar:

ClinVar aggregate classification (germline): Conflicting classifications of pathogenicity. Review status: criteria provided, conflicting classifications (1 of 4 stars). 9 submissions from 9 submitters: Uncertain significance (1); Benign (2); Likely benign (5). 1 of the submissions does not count toward it. Last evaluated 2026-04-24.

Conditions:
Sotos syndrome (SOTOS). Also called: CEREBRAL GIGANTISM; Distinctive facial appearance, overgrowth in childhood, and learning disabilities or delayed development; CHROMOSOME 5q35 DELETION SYNDROME; Sotos' syndrome; SOTOS SYNDROME 1. Identifiers: Orphanet 821, MedGen C0175695, MONDO:0019349, OMIM 117550.
NSD1-related disorder. Also called: NSD1-related condition.
Inborn genetic diseases. Identifiers: MedGen C0950123, MeSH D030342.

Allele frequency attached by ClinVar (database versions not stated): gnomAD exomes 0.00016; ExAC 0.00017; 1000 Genomes Project 30x 0.00047; 1000 Genomes Project 0.00060; ESP Exome Variant Server 0.00069; gnomAD 0.00078 and 0.00088; TOPMed 0.00095.
gnomAD v4.1: 242 of 1,614,022 alleles (0.015%); highest among the groups gnomAD compares: African/African-American, 0.27%; no homozygotes.

Submissions (9):

Women's Health and Genetics/Laboratory Corporation of America, LabCorp
Classification: Likely benign. Last evaluated: 2026-04-24. Review status: criteria provided, single submitter. Criteria: LabCorp Variant Classification Summary - May 2015. Collection method: clinical testing. Allele origin: germline.

Labcorp Genetics (formerly Invitae), Labcorp
Classification: Benign. Last evaluated: 2026-01-05. Review status: criteria provided, single submitter. Criteria: Invitae Variant Classification Sherloc (09022015). Collection method: clinical testing. Allele origin: germline.

CeGaT Center for Human Genetics Tuebingen
Classification: Likely benign. Last evaluated: 2025-03-01. Review status: criteria provided, single submitter. Criteria: CeGaT Center For Human Genetics Tuebingen Variant Classification Criteria Version 2. Collection method: clinical testing. Allele origin: germline. Affected: yes. Observed: 2 variant alleles.
Comment: NSD1: BP4, BP7

Blueprint Genetics
Classification: Likely benign. Last evaluated: 2024-08-14. Review status: criteria provided, single submitter. Criteria: ACMG Guidelines, 2015. Collection method: clinical testing. Allele origin: germline.

Genome-Nilou Lab
Classification: Likely benign for Sotos syndrome. Last evaluated: 2021-07-15. Review status: criteria provided, single submitter. Criteria: ACMG Guidelines, 2015. Collection method: clinical testing. Allele origin: germline. Affected: no.

GeneDx
Classification: Benign. Last evaluated: 2021-03-18. Review status: criteria provided, single submitter. Criteria: GeneDx Variant Classification Process June 2021. Collection method: clinical testing. Allele origin: germline. Affected: yes.

Ambry Genetics
Classification: Likely benign for Inborn genetic diseases. Last evaluated: 2016-10-07. Review status: criteria provided, single submitter. Criteria: Ambry Variant Classification Scheme 2023. Collection method: clinical testing. Allele origin: germline.

Eurofins Ntd Llc (ga)
Classification: Uncertain significance. Last evaluated: 2012-12-14. Review status: criteria provided, single submitter. Criteria: EGL Classification Definitions 2015. Collection method: clinical testing. Allele origin: germline. Observed: 1 variant allele, 1 heterozygote.

PreventionGenetics, part of Exact Sciences
Classification: Likely benign for NSD1-related condition. Last evaluated: 2023-09-14. Review status: no assertion criteria provided. Collection method: clinical testing. Allele origin: germline. Not counted in ClinVar's aggregate classification.
Comment: This variant is classified as likely benign based on ACMG/AMP sequence variant interpretation guidelines (Richards et al. 2015 PMID: 25741868, with internal and published modifications).

NM_022455.5(NSD1):c.3150C>T (p.Thr1050=)

Gene: NSD1 (nuclear receptor binding SET domain protein 1; plus strand). Cytogenetic location: 5q35.3.
Variant type: single nucleotide variant.
Coding change: c.3150C>T on transcript NM_022455.5 (MANE Select); coding-DNA position 3150, C replaced by T.
Protein change: p.Thr1050=; no amino-acid change (threonine 1050 retained).
Molecular consequence: synonymous variant.
Genome position (GRCh38, 1-based): chr5:177,211,549, C>T. VCF-style: chr5-177211549-C-T. GRCh37 (hg19) VCF-style: chr5-176638550-C-T.
Other names: c.2277C>T, p.Thr759= (NM_001365684.2, NM_001409306.1, NM_001409307.1 and 3 more transcripts); c.3150C>T, p.Thr1050= (NM_001409301.1, NM_001409302.1, NM_001409303.1); c.2730C>T, p.Thr910= (NM_001409304.1); c.2397C>T, p.Thr799= (NM_001409305.1).
Identifiers: ClinVar variation 96052 (VCV000096052.55), dbSNP rs144257298, ClinGen allele CA223667.